The following is an entry in ClinVar:

ClinVar aggregate classification (germline): Pathogenic (1 of 4 stars; one submission).

Submission:

Labcorp Genetics (formerly Invitae), Labcorp
Classification: Pathogenic. Last evaluated: 2023-11-27. Review status: criteria provided, single submitter. Criteria: Invitae Variant Classification Sherloc (09022015). Collection method: clinical testing. Allele origin: germline.
Comment: This sequence change creates a premature translational stop signal (p.Asn418Tyrfs*19) in the NSUN2 gene. It is expected to result in an absent or disrupted protein product. Loss-of-function variants in NSUN2 are known to be pathogenic (PMID: 22541559, 22577224). This variant is present in population databases (no rsID available, gnomAD 0.003%). This variant has not been reported in the literature in individuals affected with NSUN2-related conditions. For these reasons, this variant has been classified as Pathogenic.

Literature cited by the submitters: PubMed 22541559; PubMed 22577224.

NM_017755.6(NSUN2):c.1251_1252del (p.Asn418fs)

Gene: NSUN2 (NOP2/Sun RNA methyltransferase 2; minus strand). Cytogenetic location: 5p15.31.
Variant type: Deletion.
Coding change: c.1251_1252del on transcript NM_017755.6 (MANE Select); coding-DNA positions 1251 to 1252, 2 bases deleted (GA; older notation c.1251_1252delGA).
Protein change: p.Asn418fs; shifts the reading frame from asparagine 418.
Molecular consequence: frameshift variant. On other transcripts: non-coding transcript variant (1).
Genome position (GRCh38, 1-based): chr5:6,609,897-6,609,898, TC deleted on the plus strand (GA on the coding strand, the reverse complement: NSUN2 is on the minus strand); deleting any 2 consecutive bases within chr5:6,609,897-6,609,899 gives the same sequence; the c. name uses the placement nearest the transcript's 3' end. VCF-style (leftmost placement, unchanged base first): chr5-6609896-TTC-T. GRCh37 (hg19) VCF-style: chr5-6610009-TTC-T.
Other names: c.1146_1147del, p.Asn383fs (NM_001193455.2); short protein forms N383fs, N418fs.
Identifiers: ClinVar variation 2856351 (VCV002856351.3), dbSNP rs1294045208, ClinGen allele CA557617500.
Genomic context (GRCh38, chr5:6,609,896, plus strand): 5'-CGTTTATTCCACGGCATTGAAGATTTTTTCACCAATACTGCCACAAAAAACCCTCCAGTA[TTC>T]TGATGATGGGGTAATATCCTAAGGCTAAATATATATATATAATTCACACCTCTGAACTAA-3'